The following is an entry in ClinVar:

NM_144999.4(LRRC45):c.1165C>G (p.Gln389Glu)

Gene: LRRC45 (leucine rich repeat containing 45; plus strand). Cytogenetic location: 17q25.3.
Variant type: single nucleotide variant.
Coding change: c.1165C>G on transcript NM_144999.4 (MANE Select); coding-DNA position 1165, C replaced by G.
Protein change: p.Gln389Glu; replaces glutamine 389 with glutamic acid.
Molecular consequence: missense variant.
Genome position (GRCh38, 1-based): chr17:82,028,436, C>G. VCF-style: chr17-82028436-C-G. GRCh37 (hg19) VCF-style: chr17-79986312-C-G.
Other names: short protein forms Q389E.
Identifiers: ClinVar variation 5002386 (VCV005002386.1).
Genomic context (GRCh38, chr17:82,028,436, plus strand): 5'-CTCCCTGGTGCCGGCTTTCAGGTAGACGAGTTGGAGCGGAAGTTCAGGTGTCAGCAGGAG[C>G]AGCTGTTCCAGACCAGGCAGGAGATGACCAGCATGTCAGCTGAGCTGAAGATGCGGGCCA-3'
Protein context (NP_659436.1, residues 379-399): LERKFRCQQE[Gln389Glu]LFQTRQEMTS

ClinVar aggregate classification (germline): Uncertain significance (1 of 4 stars; one submission).

Conditions:
LRRC45-related disorder. Also called: LRRC45-related condition.

gnomAD v4.1: 2 of 1,612,754 alleles (0.00012%); highest among the groups gnomAD compares: Non-Finnish European, 0.00017%; no homozygotes.

Submission:

PreventionGenetics, part of Exact Sciences
Classification: Uncertain significance for LRRC45-related condition. Last evaluated: 2024-12-22. Review status: criteria provided, single submitter. Criteria: ACMG Guidelines, 2015. Collection method: clinical testing. Allele origin: germline.
Comment: The LRRC45 c.1165C>G variant is predicted to result in the amino acid substitution p.Gln389Glu. To our knowledge, this variant has not been reported in the literature. This variant is reported in 0.00089% of alleles in individuals of European (Non-Finnish) descent in gnomAD. At this time, the clinical significance of this variant is uncertain due to the absence of conclusive functional and genetic evidence.